The following is an entry in ClinVar:

ClinVar aggregate classification (germline): Uncertain significance (1 of 4 stars; one submission).

Conditions:
Inborn genetic diseases. Identifiers: MedGen C0950123, MeSH D030342.

gnomAD v4.1: 1 of 1,612,186 alleles (0.000062%); highest among the groups gnomAD compares: Non-Finnish European, 0.000085%; no homozygotes.

Submission:

Ambry Genetics
Classification: Uncertain significance for Inborn genetic diseases. Last evaluated: 2025-05-19. Review status: criteria provided, single submitter. Criteria: Ambry Variant Classification Scheme 2023. Collection method: clinical testing. Allele origin: germline.
Comment: The p.Q957H variant (also known as c.2871G>T), located in coding exon 24 of the ANKRD26 gene, results from a G to T substitution at nucleotide position 2871. The glutamine at codon 957 is replaced by histidine, an amino acid with highly similar properties. This amino acid position is conserved. In addition, this alteration is predicted to be tolerated by in silico analysis. Based on the available evidence, the clinical significance of this variant remains unclear.

NM_014915.3(ANKRD26):c.2871G>T (p.Gln957His)

Gene: ANKRD26 (ankyrin repeat domain containing 26; minus strand). Cytogenetic location: 10p12.1.
Variant type: single nucleotide variant.
Coding change: c.2871G>T on transcript NM_014915.3 (MANE Select); coding-DNA position 2871, G replaced by T.
Protein change: p.Gln957His; replaces glutamine 957 with histidine.
Molecular consequence: missense variant.
Genome position (GRCh38, 1-based): chr10:27,035,579, C>A on the plus strand (G>T on the coding strand, the complement: ANKRD26 is on the minus strand). VCF-style: chr10-27035579-C-A. GRCh37 (hg19) VCF-style: chr10-27324508-C-A.
Other names: c.2868G>T, p.Gln956His (NM_001256053.2); short protein forms Q957H, Q956H.
Identifiers: ClinVar variation 3914630 (VCV003914630.1).
Genomic context (GRCh38, chr10:27,035,579, plus strand): 5'-CCGTCCATTATACTGGGATATTGTTTGTGTTAATGTTTCCTCATTCTGTTTTATAGTCTT[C>A]TGAAGGTCTTCATTCTTTTCTTTTACAATTTTAAGGTCCTCAAAACATTTCTTTTCTTTT-3'
Protein context (NP_055730.2, residues 947-967): KIVKEKNEDL[Gln957His]KTIKQNEETL